The following is an entry in ClinVar:

NM_001003800.2(BICD2):c.684T>A (p.Asp228Glu)

Gene: BICD2 (BICD cargo adaptor 2; minus strand). Cytogenetic location: 9q22.31.
Variant type: single nucleotide variant.
Coding change: c.684T>A on transcript NM_001003800.2 (MANE Select); coding-DNA position 684, T replaced by A.
Protein change: p.Asp228Glu; replaces aspartic acid 228 with glutamic acid.
Molecular consequence: missense variant.
Genome position (GRCh38, 1-based): chr9:92,720,678, A>T on the plus strand (T>A on the coding strand, the complement: BICD2 is on the minus strand). VCF-style: chr9-92720678-A-T. GRCh37 (hg19) VCF-style: chr9-95482960-A-T.
Other names: c.684T>A, p.Asp228Glu (NM_015250.4); short protein forms D228E.
Identifiers: ClinVar variation 2736773 (VCV002736773.3), dbSNP rs762107122, ClinGen allele CA374044103.

ClinVar aggregate classification (germline): Uncertain significance (1 of 4 stars; one submission).

Conditions:
Autosomal dominant childhood-onset proximal spinal muscular atrophy with contractures (SMALED2A). Also called: Spinal muscular atrophy, lower extremity-predominant, 2A, autosomal dominant; SPINAL MUSCULAR ATROPHY, LOWER EXTREMITY-PREDOMINANT, 2A, CHILDHOOD ONSET, AUTOSOMAL DOMINANT. Identifiers: Orphanet 363447, Orphanet 363454, MedGen C4747715, MONDO:0014121, OMIM 615290.

gnomAD v4.1: 1 of 1,614,138 alleles (0.000062%); highest among the groups gnomAD compares: East Asian, 0.0022%; no homozygotes.

Submission:

Labcorp Genetics (formerly Invitae), Labcorp
Classification: Uncertain significance for Autosomal dominant childhood-onset proximal spinal muscular atrophy with contractures. Last evaluated: 2024-04-30. Review status: criteria provided, single submitter. Criteria: Invitae Variant Classification Sherloc (09022015). Collection method: clinical testing. Allele origin: germline.
Comment: This sequence change replaces aspartic acid, which is acidic and polar, with glutamic acid, which is acidic and polar, at codon 228 of the BICD2 protein (p.Asp228Glu). This variant is not present in population databases (gnomAD no frequency). This missense change has been observed in individual(s) with BICD2-related conditions (PMID: 31692161). Advanced modeling of protein sequence and biophysical properties (such as structural, functional, and spatial information, amino acid conservation, physicochemical variation, residue mobility, and thermodynamic stability) performed at Invitae indicates that this missense variant is not expected to disrupt BICD2 protein function with a negative predictive value of 80%. In summary, the available evidence is currently insufficient to determine the role of this variant in disease. Therefore, it has been classified as a Variant of Uncertain Significance.

Literature cited by the submitters: PubMed 31692161.